The following is an entry in ClinVar:

ClinVar aggregate classification (germline): Benign (1 of 4 stars; one submission).

Allele frequency attached by ClinVar (database versions not stated): 1000 Genomes Project 30x 0.05637; 1000 Genomes Project 0.05711; TOPMed 0.08766; gnomAD 0.09161 and 0.09384.
gnomAD v4.1: 13,968 of 152,236 alleles (9.2%); highest among the groups gnomAD compares: Middle Eastern, 13%; 748 homozygotes.

Submission:

GeneDx
Classification: Benign. Last evaluated: 2018-06-14. Review status: criteria provided, single submitter. Criteria: GeneDx Variant Classification (06012015). Collection method: clinical testing. Allele origin: germline. Affected: yes.
Comment: This variant is considered likely benign or benign based on one or more of the following criteria: it is a conservative change, it occurs at a poorly conserved position in the protein, it is predicted to be benign by multiple in silico algorithms, and/or has population frequency not consistent with disease.

NM_001854.4(COL11A1):c.3979-299T>A

Gene: COL11A1 (collagen type XI alpha 1 chain; minus strand). Cytogenetic location: 1p21.1.
Variant type: single nucleotide variant.
Coding change: c.3979-299T>A on transcript NM_001854.4 (MANE Select); 299 bases into the intron before coding-DNA position 3979, T replaced by A.
Molecular consequence: intron variant.
Genome position (GRCh38, 1-based): chr1:102,913,989, A>T on the plus strand (T>A on the coding strand, the complement: COL11A1 is on the minus strand). VCF-style: chr1-102913989-A-T. GRCh37 (hg19) VCF-style: chr1-103379545-A-T.
Other names: c.3862-299T>A (NM_001190709.2); c.4015-299T>A (NM_080629.3); c.3631-299T>A (NM_080630.4).
Identifiers: ClinVar variation 681240 (VCV000681240.1), dbSNP rs992100, ClinGen allele CA27676198.